The following is an entry in ClinVar:

NM_014423.4(AFF4):c.1551T>G (p.Asp517Glu)

Gene: AFF4 (ALF transcription elongation factor 4; minus strand). Cytogenetic location: 5q31.1.
Variant type: single nucleotide variant.
Coding change: c.1551T>G on transcript NM_014423.4 (MANE Select); coding-DNA position 1551, T replaced by G.
Protein change: p.Asp517Glu; replaces aspartic acid 517 with glutamic acid.
Molecular consequence: missense variant.
Genome position (GRCh38, 1-based): chr5:132,897,079, A>C on the plus strand (T>G on the coding strand, the complement: AFF4 is on the minus strand). VCF-style: chr5-132897079-A-C. GRCh37 (hg19) VCF-style: chr5-132232771-A-C.
Other names: short protein forms D517E.
Identifiers: ClinVar variation 1714213 (VCV001714213.5), dbSNP rs1440316892, ClinGen allele CA360939047.
Genomic context (GRCh38, chr5:132,897,079, plus strand): 5'-TTGGATGGTTTTGGAGTCTCGTCCCGGAGTAGCGGAACTCGTTTCTTTAGGTCCACTTGT[A>C]TCAGTGTAGCTATTCCCAGTGCCCTGCTCTCGGCCTTCCTTTTTGTAGCCTTGAGATGAT-3'
Protein context (NP_055238.1, residues 507-527): REQGTGNSYT[Asp517Glu]TSGPKETSSA

ClinVar aggregate classification (germline): Uncertain significance (1 of 4 stars; one submission).

Conditions:
Cognitive impairment - coarse facies - heart defects - obesity - pulmonary involvement - short stature - skeletal dysplasia syndrome. Also called: Chops syndrome; COGNITIVE IMPAIRMENT, COARSE FACIES, HEART DEFECTS, OBESITY, PULMONARY INVOLVEMENT, SHORT STATURE, AND SKELETAL DYSPLASIA; AFF4-Related CHOPS Syndrome. Identifiers: Orphanet 444077, MedGen C4085597, MONDO:0014609, OMIM 616368.

Submission:

Labcorp Genetics (formerly Invitae), Labcorp
Classification: Uncertain significance for Cognitive impairment - coarse facies - heart defects - obesity - pulmonary involvement - short stature - skeletal dysplasia syndrome. Last evaluated: 2023-05-08. Review status: criteria provided, single submitter. Criteria: Invitae Variant Classification Sherloc (09022015). Collection method: clinical testing. Allele origin: germline.
Comment: In summary, the available evidence is currently insufficient to determine the role of this variant in disease. Therefore, it has been classified as a Variant of Uncertain Significance. Advanced modeling of protein sequence and biophysical properties (such as structural, functional, and spatial information, amino acid conservation, physicochemical variation, residue mobility, and thermodynamic stability) performed at Invitae indicates that this missense variant is not expected to disrupt AFF4 protein function. ClinVar contains an entry for this variant (Variation ID: 1714213). This variant has not been reported in the literature in individuals affected with AFF4-related conditions. This variant is not present in population databases (gnomAD no frequency). This sequence change replaces aspartic acid, which is acidic and polar, with glutamic acid, which is acidic and polar, at codon 517 of the AFF4 protein (p.Asp517Glu).